The following is an entry in ClinVar:

NM_033305.3(VPS13A):c.7238C>T (p.Thr2413Ile)

Gene: VPS13A (vacuolar protein sorting 13 homolog A; plus strand). Cytogenetic location: 9q21.2.
Variant type: single nucleotide variant.
Coding change: c.7238C>T on transcript NM_033305.3 (MANE Select); coding-DNA position 7238, C replaced by T.
Protein change: p.Thr2413Ile; replaces threonine 2413 with isoleucine.
Molecular consequence: missense variant.
Genome position (GRCh38, 1-based): chr9:77,345,091, C>T. VCF-style: chr9-77345091-C-T. GRCh37 (hg19) VCF-style: chr9-79960007-C-T.
Other names: c.7121C>T, p.Thr2374Ile (NM_001018037.2); c.7238C>T, p.Thr2413Ile (NM_001018038.3, NM_015186.4); short protein forms T2374I, T2413I.
Identifiers: ClinVar variation 5041585 (VCV005041585.1).
Genomic context (GRCh38, chr9:77,345,091, plus strand): 5'-TGAATTTGGCCGAGCATTCTACAGTTATTACATTTTTAGATTATCATGATGGAGCAGCTA[C>T]ATTCCTCTTAATAAATCACACAAAGAATGAACTTGTTCAATACAATCAAAGGTAAGATTA-3'
Protein context (NP_150648.2, residues 2403-2423): TFLDYHDGAA[Thr2413Ile]FLLINHTKNE

ClinVar aggregate classification (germline): Uncertain significance (1 of 4 stars; one submission).

Submission:

CeGaT Center for Human Genetics Tuebingen
Classification: Uncertain significance. Last evaluated: 2026-09-01. Review status: criteria provided, single submitter. Criteria: CeGaT Center For Human Genetics Tuebingen Variant Classification Criteria Version 2. Collection method: clinical testing. Allele origin: germline. Affected: yes. Observed: 1 variant allele.
Comment: VPS13A: PM2, BP4